The following is an entry in ClinVar:

ClinVar aggregate classification (germline): Uncertain significance. Review status: criteria provided, multiple submitters, no conflicts (2 of 4 stars). 3 submissions from 3 submitters: Uncertain significance (3). Last evaluated 2024-12-31.

Conditions:
Inborn genetic diseases. Identifiers: MedGen C0950123, MeSH D030342.

Allele frequency attached by ClinVar (database versions not stated): TOPMed below 0.00001; ExAC 0.00001; gnomAD exomes 0.00001; ESP Exome Variant Server 0.00008.

Submissions (3):

Ambry Genetics
Classification: Uncertain significance for Inborn genetic diseases. Last evaluated: 2024-12-31. Review status: criteria provided, single submitter. Criteria: Ambry Variant Classification Scheme 2023. Collection method: clinical testing. Allele origin: germline.
Comment: The p.D897V variant (also known as c.2690A>T), located in coding exon 1 of the SAMD9L gene, results from an A to T substitution at nucleotide position 2690. The aspartic acid at codon 897 is replaced by valine, an amino acid with highly dissimilar properties. This amino acid position is conserved. In addition, the in silico prediction for this alteration is inconclusive. Based on the available evidence, the clinical significance of this variant remains unclear.

Labcorp Genetics (formerly Invitae), Labcorp
Classification: Uncertain significance. Last evaluated: 2024-03-27. Review status: criteria provided, single submitter. Criteria: Invitae Variant Classification Sherloc (09022015). Collection method: clinical testing. Allele origin: germline.
Comment: This sequence change replaces aspartic acid, which is acidic and polar, with valine, which is neutral and non-polar, at codon 897 of the SAMD9L protein (p.Asp897Val). This variant is present in population databases (rs145961655, gnomAD 0.002%). This variant has not been reported in the literature in individuals affected with SAMD9L-related conditions. ClinVar contains an entry for this variant (Variation ID: 2435653). Advanced modeling of protein sequence and biophysical properties (such as structural, functional, and spatial information, amino acid conservation, physicochemical variation, residue mobility, and thermodynamic stability) has been performed at Invitae for this missense variant, however the output from this modeling did not meet the statistical confidence thresholds required to predict the impact of this variant on SAMD9L protein function. In summary, the available evidence is currently insufficient to determine the role of this variant in disease. Therefore, it has been classified as a Variant of Uncertain Significance.

Revvity Omics, Revvity
Classification: Uncertain significance. Last evaluated: 2021-09-01. Review status: criteria provided, single submitter. Criteria: ACMG Guidelines, 2015. Collection method: clinical testing. Allele origin: germline.

NM_152703.5(SAMD9L):c.2690A>T (p.Asp897Val)

Gene: SAMD9L (sterile alpha motif domain containing 9 like; minus strand). Cytogenetic location: 7q21.2.
Variant type: single nucleotide variant.
Coding change: c.2690A>T on transcript NM_152703.5 (MANE Select); coding-DNA position 2690, A replaced by T.
Protein change: p.Asp897Val; replaces aspartic acid 897 with valine.
Molecular consequence: missense variant.
Genome position (GRCh38, 1-based): chr7:93,133,282, T>A on the plus strand (A>T on the coding strand, the complement: SAMD9L is on the minus strand). VCF-style: chr7-93133282-T-A. GRCh37 (hg19) VCF-style: chr7-92762595-T-A.
Other names: c.2690A>T, p.Asp897Val (NM_001303496.3, NM_001303497.3, NM_001303498.3 and 5 more transcripts); c.2690A>T (NM_152703.2); short protein forms D897V.
Identifiers: ClinVar variation 2435653 (VCV002435653.6), dbSNP rs145961655, ClinGen allele CA4343554.
Genomic context (GRCh38, chr7:93,133,282, plus strand): 5'-TTGCTGTCAACATCCTGTCCTTTTAGGATATTCCTGACTACATTTTCTATATATGTTTCA[T>A]CAAAATTGCTTTTCATGATCATGAAGGAATAAAAGTTTTCACAGTTCTTGTGCTGCTTTT-3'
Protein context (NP_689916.2, residues 887-907): YSFMIMKSNF[Asp897Val]ETYIENVVRN